The following is an entry in ClinVar:

ClinVar aggregate classification (germline): Uncertain significance (1 of 4 stars; one submission).

Submission:

GeneDx
Classification: Uncertain significance. Last evaluated: 2026-09-25. Review status: criteria provided, single submitter. Criteria: GeneDx Variant Classification Process June 2021. Collection method: clinical testing. Allele origin: germline.
Comment: Not observed at significant frequency in large population cohorts (gnomAD); In silico analysis supports that this missense variant has a deleterious effect on protein structure/function; Has not been previously published as pathogenic or benign to our knowledge.

NM_001961.4(EEF2):c.1207C>T (p.Pro403Ser)

Gene: EEF2 (eukaryotic translation elongation factor 2; minus strand). Cytogenetic location: 19p13.3.
Variant type: single nucleotide variant.
Coding change: c.1207C>T on transcript NM_001961.4 (MANE Select); coding-DNA position 1207, C replaced by T.
Protein change: p.Pro403Ser; replaces proline 403 with serine.
Molecular consequence: missense variant.
Genome position (GRCh38, 1-based): chr19:3,980,653, G>A on the plus strand (C>T on the coding strand, the complement: EEF2 is on the minus strand). VCF-style: chr19-3980653-G-A. GRCh37 (hg19) VCF-style: chr19-3980651-G-A.
Other names: short protein forms P403S.
Identifiers: ClinVar variation 2430957 (VCV002430957.2), dbSNP rs895700162, ClinGen allele CA403393147.